The following is an entry in ClinVar:

NM_017777.4(MKS1):c.513G>T (p.Gly171=)

Gene: MKS1 (MKS transition zone complex subunit 1; minus strand). Cytogenetic location: 17q22.
Variant type: single nucleotide variant.
Coding change: c.513G>T on transcript NM_017777.4 (MANE Select); coding-DNA position 513, G replaced by T.
Protein change: p.Gly171=; no amino-acid change (glycine 171 retained).
Molecular consequence: synonymous variant. On other transcripts: intron variant (1).
Genome position (GRCh38, 1-based): chr17:58,214,743, C>A on the plus strand (G>T on the coding strand, the complement: MKS1 is on the minus strand). VCF-style: chr17-58214743-C-A. GRCh37 (hg19) VCF-style: chr17-56292104-C-A.
Other names: c.513G>T, p.Gly171= (NM_001321269.2, NM_001330397.2, NM_001411113.1); c.-94-356G>T (NM_001321268.2).
Identifiers: ClinVar variation 2143207 (VCV002143207.4), dbSNP rs2143808375, ClinGen allele CA501035009.

ClinVar aggregate classification (germline): Uncertain significance (1 of 4 stars; one submission).

Conditions:
Joubert syndrome. Also called: CEREBELLOPARENCHYMAL DISORDER IV; JOUBERT-BOLTSHAUSER SYNDROME; Familial aplasia of the vermis. Identifiers: Orphanet 475, MedGen C5979921, MONDO:0018772.
Meckel-Gruber syndrome. Also called: DYSENCEPHALIA SPLANCHNOCYSTICA; GRUBER SYNDROME; Dysencephalia splachnocystica. Identifiers: Orphanet 564, MedGen C0265215, MONDO:0018921.

Submission:

Labcorp Genetics (formerly Invitae), Labcorp
Classification: Uncertain significance for Joubert syndrome; Meckel-Gruber syndrome. Last evaluated: 2022-07-28. Review status: criteria provided, single submitter. Criteria: Invitae Variant Classification Sherloc (09022015). Collection method: clinical testing. Allele origin: germline.
Comment: This sequence change affects codon 171 of the MKS1 mRNA. It is a 'silent' change, meaning that it does not change the encoded amino acid sequence of the MKS1 protein. This variant is not present in population databases (gnomAD no frequency). This variant has not been reported in the literature in individuals affected with MKS1-related conditions. Algorithms developed to predict the effect of sequence changes on RNA splicing suggest that this variant may disrupt the consensus splice site. In summary, the available evidence is currently insufficient to determine the role of this variant in disease. Therefore, it has been classified as a Variant of Uncertain Significance.